The following is an entry in ClinVar:

NM_001291303.3(FAT4):c.11906-40A>G

Gene: FAT4 (FAT atypical cadherin 4; plus strand). Cytogenetic location: 4q28.1.
Variant type: single nucleotide variant.
Coding change: c.11906-40A>G on transcript NM_001291303.3 (MANE Select); 40 bases into the intron before coding-DNA position 11906, A replaced by G.
Molecular consequence: intron variant.
Genome position (GRCh38, 1-based): chr4:125,468,472, A>G. VCF-style: chr4-125468472-A-G. GRCh37 (hg19) VCF-style: chr4-126389627-A-G.
Other names: c.11906-40A>G (NM_001291285.3); c.11900-40A>G (NM_024582.6).
Identifiers: ClinVar variation 1277366 (VCV001277366.4), dbSNP rs6814158, ClinGen allele CA3073955.

ClinVar aggregate classification (germline): Benign. Review status: criteria provided, multiple submitters, no conflicts (2 of 4 stars). 3 submissions from 3 submitters: Benign (3). Last evaluated 2024-01-24.

Allele frequency attached by ClinVar (database versions not stated): 1000 Genomes Project 30x 0.98829; ESP Exome Variant Server 0.99285; TOPMed 0.99190; 1000 Genomes Project 0.99101.
gnomAD v4.1: 1,348,146 of 1,350,294 alleles (100%); highest among the groups gnomAD compares: South Asian, 100%; 673,017 homozygotes.

Submissions (3):

Unidad de Genómica Garrahan, Hospital de Pediatría Garrahan
Classification: Benign. Last evaluated: 2024-01-24. Review status: criteria provided, single submitter. Criteria: ACMG Guidelines, 2015. Collection method: clinical testing. Allele origin: germline. Affected: no. Observed: 95 variant alleles.
Comment: This variant is classified as Benign based on local population frequency. This variant was detected in 100% of patients studied by a panel of primary immunodeficiencies. Number of patients: 95. Only high quality variants are reported.

GeneDx
Classification: Benign. Last evaluated: 2018-06-26. Review status: criteria provided, single submitter. Criteria: GeneDx Variant Classification Process June 2021. Collection method: clinical testing. Allele origin: germline. Affected: yes.

Breakthrough Genomics
Classification: Benign. Review status: criteria provided, single submitter. Criteria: ACMG Guidelines, 2015. Collection method: not provided. Allele origin: germline. Inheritance: Autosomal recessive inheritance. Affected: yes.